The following is an entry in ClinVar:

ClinVar aggregate classification (germline): Pathogenic (1 of 4 stars; one submission).

Submission:

GeneDx
Classification: Pathogenic. Last evaluated: 2024-08-01. Review status: criteria provided, single submitter. Criteria: GeneDx Variant Classification Process June 2021. Collection method: clinical testing. Allele origin: germline. Affected: yes.
Comment: Damages or destroys the splice acceptor site in intron 26, and is expected to cause abnormal gene splicing; if the splice outcome is exon skip, the loss of the encoded residues in the triple helical region is expected to disrupt normal protein folding and function, and this is an established mechanism of disease (HGMD); Not observed at significant frequency in large population cohorts (gnomAD); This variant is associated with the following publications: (PMID: 25525159, 9203215, 2238087, 25963598, 17078022)

NM_000088.4(COL1A1):c.1822-2A>C

Gene: COL1A1 (collagen type I alpha 1 chain; minus strand). Cytogenetic location: 17q21.33.
Variant type: single nucleotide variant.
Coding change: c.1822-2A>C on transcript NM_000088.4 (MANE Select); the canonical splice acceptor site of the intron before coding-DNA position 1822, A replaced by C.
Molecular consequence: splice acceptor variant.
Genome position (GRCh38, 1-based): chr17:50,192,852, T>G on the plus strand (A>C on the coding strand, the complement: COL1A1 is on the minus strand). VCF-style: chr17-50192852-T-G. GRCh37 (hg19) VCF-style: chr17-48270213-T-G.
Identifiers: ClinVar variation 3602175 (VCV003602175.1).